The following is an entry in ClinVar:

ClinVar aggregate classification (germline): Likely benign (1 of 4 stars; one submission).

gnomAD v4.1: 6 of 1,612,760 alleles (0.00037%); highest among the groups gnomAD compares: Admixed American, 0.0084%; no homozygotes.

Submission:

Mayo Clinic Laboratories, Mayo Clinic
Classification: Likely benign. Last evaluated: 2025-06-23. Review status: criteria provided, single submitter. Criteria: ACMG Guidelines, 2015. Collection method: clinical testing. Allele origin: germline. Observed: 1 variant allele.
Comment: BP4, BP7, PM2_supporting

NM_003366.4(UQCRC2):c.30C>T (p.Phe10=)

Gene: UQCRC2 (ubiquinol-cytochrome c reductase core protein 2). Cytogenetic location: 16p12.2.
Variant type: single nucleotide variant.
Coding change: c.30C>T on transcript NM_003366.4 (MANE Select); coding-DNA position 30, C replaced by T.
Protein change: p.Phe10=; no amino-acid change (phenylalanine 10 retained).
Molecular consequence: synonymous variant.
Genome position (GRCh38, 1-based): chr16:21,953,453, C>T. VCF-style: chr16-21953453-C-T. GRCh37 (hg19) VCF-style: chr16-21964774-C-T.
Other names: p.Phe10=.
Identifiers: ClinVar variation 4684079 (VCV004684079.1).
Genomic context (GRCh38, chr16:21,953,453, plus strand): 5'-CAGTGACCGTGTGTCAGAACAATCTTGAATCATGAAGCTACTAACCAGAGCCGGCTCTTT[C>T]TCGGTGAGCTCAGGTGGCGGGTTTGGGAAAGGGCTGGGGAGCAGTGTGTCGACAAGGTGA-3'
Protein context (NP_003357.2, residues 1-20): MKLLTRAGS[Phe10=]SRFYSLKVAP